The following is an entry in ClinVar:

NM_006164.5(NFE2L2):c.41A>G (p.Gln14Arg)

Genes: NFE2L2 (NFE2 like bZIP transcription factor 2; minus strand), LOC129935169 (ATAC-STARR-seq lymphoblastoid silent region 12145; plus strand). Cytogenetic location: 2q31.2.
Variant type: single nucleotide variant.
Coding change: c.41A>G on transcript NM_006164.5 (MANE Select); coding-DNA position 41, A replaced by G.
Protein change: p.Gln14Arg; replaces glutamine 14 with arginine.
Molecular consequence: missense variant.
Genome position (GRCh38, 1-based): chr2:177,264,536, T>C on the plus strand (A>G on the coding strand, the complement: NFE2L2 is on the minus strand). VCF-style: chr2-177264536-T-C. GRCh37 (hg19) VCF-style: chr2-178129264-T-C.
Other names: c.41A>G (NM_006164.4); c.41A>G, p.Gln14Arg (NM_001313902.2, NM_001313903.2); short protein forms Q14R.
Identifiers: ClinVar variation 3627819 (VCV003627819.3).
Genomic context (GRCh38, chr2:177,264,536, plus strand): 5'-AGCTCCCCCGCCCCCGTCCCGGCACCACCGCAGGGCCCAGAGGGCCGAGGCAGCACCTGC[T>C]GGGACGGGAGTCCCGGCGGCGGCAGCTCCAAGTCCATCATGATGAGCTGTGGACCGTGTG-3'
Protein context (NP_006155.2, residues 4-24): LELPPPGLPS[Gln14Arg]QDMDLIDILW

ClinVar aggregate classification (germline): Uncertain significance. Review status: criteria provided, multiple submitters, no conflicts (2 of 4 stars). 2 submissions from 2 submitters: Uncertain significance (2). Last evaluated 2025-05-19.

gnomAD v4.1: 24 of 1,524,164 alleles (0.0016%); highest among the groups gnomAD compares: African/African-American, 0.03%; no homozygotes.

Submissions (2):

Labcorp Genetics (formerly Invitae), Labcorp
Classification: Uncertain significance. Last evaluated: 2025-05-19. Review status: criteria provided, single submitter. Criteria: Invitae Variant Classification Sherloc (09022015). Collection method: clinical testing. Allele origin: germline.
Comment: This sequence change replaces glutamine, which is neutral and polar, with arginine, which is basic and polar, at codon 14 of the NFE2L2 protein (p.Gln14Arg). This variant is not present in population databases (gnomAD no frequency). This variant has not been reported in the literature in individuals affected with NFE2L2-related conditions. ClinVar contains an entry for this variant (Variation ID: 3627819). An algorithm developed to predict the effect of missense changes on protein structure and function (PolyPhen-2) suggests that this variant is likely to be tolerated. In summary, the available evidence is currently insufficient to determine the role of this variant in disease. Therefore, it has been classified as a Variant of Uncertain Significance.

GeneDx
Classification: Uncertain significance. Last evaluated: 2025-01-28. Review status: criteria provided, single submitter. Criteria: GeneDx Variant Classification Process June 2021. Collection method: clinical testing. Allele origin: germline. Affected: yes.
Comment: Not observed at significant frequency in large population cohorts (gnomAD); In silico analysis indicates that this missense variant does not alter protein structure/function; Has not been previously published as pathogenic or benign to our knowledge